The following is an entry in ClinVar:

ClinVar aggregate classification (germline): Uncertain significance. Review status: criteria provided, multiple submitters, no conflicts (2 of 4 stars). 4 submissions from 4 submitters: Uncertain significance (4). Last evaluated 2025-11-25.

Conditions:
TTN-related disorder. Also called: TTN-related condition; TTN-related disease; TTN-related disorders.

Allele frequency attached by ClinVar (database versions not stated): gnomAD 0.00001; ExAC 0.00002; TOPMed 0.00002; gnomAD exomes 0.00003 and 0.00004.
gnomAD v4.1: 63 of 1,613,640 alleles (0.0039%); highest among the groups gnomAD compares: South Asian, 0.011%; no homozygotes.

Submissions (4):

PreventionGenetics, part of Exact Sciences
Classification: Uncertain significance for TTN-related condition. Last evaluated: 2025-11-25. Review status: criteria provided, single submitter. Criteria: ACMG Guidelines, 2015. Collection method: clinical testing. Allele origin: germline.
Comment: The TTN c.100998C>G variant is predicted to result in the amino acid substitution p.Phe33666Leu. To our knowledge, this variant has not been reported in the literature. This variant is reported in 0.0065% of alleles in individuals of African descent in gnomAD. At this time, the clinical significance of this variant is uncertain due to the absence of conclusive functional and genetic evidence.

Revvity Omics, Revvity
Classification: Uncertain significance. Last evaluated: 2019-05-03. Review status: criteria provided, single submitter. Criteria: ACMG Guidelines, 2015. Collection method: clinical testing. Allele origin: germline.

Eurofins Ntd Llc (ga)
Classification: Uncertain significance. Last evaluated: 2014-09-18. Review status: criteria provided, single submitter. Criteria: EGL Classification Definitions 2015. Collection method: clinical testing. Allele origin: germline. Observed: 1 variant allele, 1 heterozygote.

Biesecker Lab/Clinical Genomics Section, National Institutes of Health
Classification: Uncertain significance. Last evaluated: 2013-06-24. Review status: criteria provided, single submitter. Criteria: Ng et al. (Circ Cardiovasc Genet. 2013). Collection method: research. Allele origin: unknown. Observed: 1 variant allele. Study: ClinSeq.
Comment: The study set was not selected for affection status in relation to any cancer. Pathogenicity categories were based on literature curation. See Pubmed ID:23861362 for details.

Medical sequencing

NM_001267550.2(TTN):c.100998C>G (p.Phe33666Leu)

Genes: TTN (titin; minus strand), TTN-AS1 (TTN antisense RNA 1; plus strand). Cytogenetic location: 2q31.2.
Variant type: single nucleotide variant.
Coding change: c.100998C>G on transcript NM_001267550.2 (MANE Select); coding-DNA position 100998, C replaced by G.
Protein change: p.Phe33666Leu; replaces phenylalanine 33666 with leucine.
Molecular consequence: missense variant.
Genome position (GRCh38, 1-based): chr2:178,535,617, G>C on the plus strand (C>G on the coding strand, the complement: TTN is on the minus strand). VCF-style: chr2-178535617-G-C. GRCh37 (hg19) VCF-style: chr2-179400344-G-C.
Other names: c.96075C>G, p.Phe32025Leu (NM_001256850.1); c.73803C>G, p.Phe24601Leu (NM_003319.4); c.93294C>G, p.Phe31098Leu (NM_133378.4); c.74178C>G, p.Phe24726Leu (NM_133432.3); c.74379C>G, p.Phe24793Leu (NM_133437.4); short protein forms F31098L, F33666L, F24601L, F24726L, F24793L, F32025L.
Identifiers: ClinVar variation 191826 (VCV000191826.9), dbSNP rs752263533, ClinGen allele CA237644.
Genomic context (GRCh38, chr2:178,535,617, plus strand): 5'-CACATCCAGTTCAACTGTCTTCTGATCAATTCCAAATCTGTTTTTAGCACAGACCACATA[G>C]AAACCAGCATCTTTTCTCTCTACCCCATTGGGGAAAACAAGTGATGTGAAGGATCTTGTG-3'
Protein context (NP_001254479.2, residues 33656-33676): PNGVERKDAG[Phe33666Leu]YVVCAKNRFG